The following is an entry in ClinVar:

ClinVar aggregate classification (germline): Likely benign (1 of 4 stars; one submission).

Allele frequency attached by ClinVar (database versions not stated): gnomAD exomes 0.00003; gnomAD 0.00005; ExAC 0.00008; 1000 Genomes Project 0.00020; 1000 Genomes Project 30x 0.00031.
gnomAD v4.1: 59 of 1,613,634 alleles (0.0037%); highest among the groups gnomAD compares: South Asian, 0.032%; 1 homozygote.

Submission:

CeGaT Center for Human Genetics Tuebingen
Classification: Likely benign. Last evaluated: 2023-11-01. Review status: criteria provided, single submitter. Criteria: CeGaT Center For Human Genetics Tuebingen Variant Classification Criteria Version 2. Collection method: clinical testing. Allele origin: germline. Affected: yes. Observed: 1 variant allele.
Comment: INTS1: BP4, BP7

NM_001080453.3(INTS1):c.2112C>T (p.Ala704=)

Gene: INTS1 (integrator complex subunit 1; minus strand). Cytogenetic location: 7p22.3.
Variant type: single nucleotide variant.
Coding change: c.2112C>T on transcript NM_001080453.3 (MANE Select); coding-DNA position 2112, C replaced by T.
Protein change: p.Ala704=; no amino-acid change (alanine 704 retained).
Molecular consequence: synonymous variant.
Genome position (GRCh38, 1-based): chr7:1,493,063, G>A on the plus strand (C>T on the coding strand, the complement: INTS1 is on the minus strand). VCF-style: chr7-1493063-G-A. GRCh37 (hg19) VCF-style: chr7-1532699-G-A.
Identifiers: ClinVar variation 2673096 (VCV002673096.23), dbSNP rs573333009, ClinGen allele CA4120008.